The following is an entry in ClinVar:

ClinVar aggregate classification (germline): Conflicting classifications of pathogenicity. Review status: criteria provided, conflicting classifications (1 of 4 stars). 4 submissions from 4 submitters: Uncertain significance (1); Likely benign (3). Last evaluated 2025-11-02.

Conditions:
PLEC-related disorder. Also called: PLEC-related condition; PLEC-related disorders.
Epidermolysis bullosa simplex 5C, with pyloric atresia (EBS5C). Also called: PLEC-Related Epidermolysis Bullosa with Pyloric Atresia; Epidermolysis bullosa simplex with pyloric atresia; PLEC1-Related Epidermolysis Bullosa with Pyloric Atresia. Identifiers: Orphanet 158684, MedGen C2677349, MONDO:0012807, OMIM 612138.
Epidermolysis bullosa simplex with nail dystrophy (EBS5D). Identifiers: MedGen C4225309, MONDO:0014661, OMIM 616487.
Autosomal recessive limb-girdle muscular dystrophy type 2Q (LGMDR17). Also called: MUSCULAR DYSTROPHY, LIMB-GIRDLE, AUTOSOMAL RECESSIVE 17. Identifiers: Orphanet 254361, MedGen C3150989, MONDO:0013390, OMIM 613723.
Epidermolysis bullosa simplex, Ogna type (EBS5A). Also called: Pidermolysis bullosa simplex 5A, Ogna type; EPIDERMOLYSIS BULLOSA SIMPLEX 5A, OGNA TYPE. Identifiers: Orphanet 79401, MedGen C0432317, MONDO:0007555, OMIM 131950.
Epidermolysis bullosa simplex 5B, with muscular dystrophy (EBS5B). Also called: EPIDERMOLYSIS BULLOSA SIMPLEX AND LIMB-GIRDLE MUSCULAR DYSTROPHY; Epidermolysis bullosa simplex with muscular dystrophy. Identifiers: Orphanet 257, MedGen C2931072, MONDO:0009181, OMIM 226670.

Allele frequency attached by ClinVar (database versions not stated): ExAC below 0.00001; gnomAD exomes 0.00002; gnomAD 0.00005; TOPMed 0.00005.
gnomAD v4.1: 92 of 1,539,538 alleles (0.006%); highest among the groups gnomAD compares: Non-Finnish European, 0.0079%; no homozygotes.

Submissions (4):

PreventionGenetics, part of Exact Sciences
Classification: Likely benign for PLEC-related condition. Last evaluated: 2025-11-02. Review status: criteria provided, single submitter. Criteria: ACMG Guidelines, 2015. Collection method: clinical testing. Allele origin: germline.
Comment: This variant is classified as likely benign based on ACMG/AMP sequence variant interpretation guidelines (Richards et al. 2015 PMID: 25741868, with internal and published modifications).

Labcorp Genetics (formerly Invitae), Labcorp
Classification: Likely benign for Autosomal recessive limb-girdle muscular dystrophy type 2Q; Epidermolysis bullosa simplex, Ogna type; Epidermolysis bullosa simplex with nail dystrophy; Epidermolysis bullosa simplex 5C, with pyloric atresia; Epidermolysis bullosa simplex 5B, with muscular dystrophy. Last evaluated: 2025-10-02. Review status: criteria provided, single submitter. Criteria: Invitae Variant Classification Sherloc (09022015). Collection method: clinical testing. Allele origin: germline.

Blueprint Genetics
Classification: Likely benign. Last evaluated: 2024-08-16. Review status: criteria provided, single submitter. Criteria: ACMG Guidelines, 2015. Collection method: clinical testing. Allele origin: germline.

Eurofins Ntd Llc (ga)
Classification: Uncertain significance. Last evaluated: 2016-02-26. Review status: criteria provided, single submitter. Criteria: EGL Classification Definitions 2015. Collection method: clinical testing. Allele origin: germline. Observed: 3 variant alleles, 3 heterozygotes.

NM_201384.3(PLEC):c.5301G>T (p.Leu1767=)

Gene: PLEC (plectin; minus strand). Cytogenetic location: 8q24.3.
Variant type: single nucleotide variant.
Coding change: c.5301G>T on transcript NM_201384.3 (MANE Select); coding-DNA position 5301, G replaced by T.
Protein change: p.Leu1767=; no amino-acid change (leucine 1767 retained).
Molecular consequence: synonymous variant.
Genome position (GRCh38, 1-based): chr8:143,924,628, C>A on the plus strand (G>T on the coding strand, the complement: PLEC is on the minus strand). VCF-style: chr8-143924628-C-A. GRCh37 (hg19) VCF-style: chr8-144998796-C-A.
Other names: c.5382G>T, p.Leu1794= (NM_000445.5); c.5259G>T, p.Leu1753= (NM_201378.4); c.5235G>T, p.Leu1745= (NM_201379.3); c.5712G>T, p.Leu1904= (NM_201380.4); c.5205G>T, p.Leu1735= (NM_201381.3); c.5301G>T, p.Leu1767= (NM_201382.4); c.5313G>T, p.Leu1771= (NM_201383.3).
Identifiers: ClinVar variation 285743 (VCV000285743.16), dbSNP rs782513203, ClinGen allele CA4926391.